The following is an entry in ClinVar:

ClinVar aggregate classification (germline): Pathogenic. Review status: criteria provided, multiple submitters, no conflicts (2 of 4 stars). 2 submissions from 2 submitters: Pathogenic (2). Last evaluated 2025-08-17.

Conditions:
Hypertrophic cardiomyopathy. Also called: HYPERTROPHIC MYOCARDIOPATHY. Identifiers: Orphanet 217569, MedGen C0007194, MeSH D002312, MONDO:0005045, HP:0001639.

Submissions (2):

Dasa
Classification: Pathogenic. Last evaluated: 2025-08-17. Review status: criteria provided, single submitter. Criteria: DASA Assertion Criteria. Collection method: clinical testing. Allele origin: germline.
Comment: NM_000256.3(MYBPC3):c.1090+1G>C introduces a premature termination codon predicted to result in loss of normal protein function. Loss-of-function is an established mechanism of disease for this gene. This variant results in the same amino acid change as a previously established pathogenic variant. The variant is present at low frequency in population datasets. Based on the available data, this variant is classified as pathogenic.

Labcorp Genetics (formerly Invitae), Labcorp
Classification: Pathogenic for Hypertrophic cardiomyopathy. Last evaluated: 2023-04-28. Review status: criteria provided, single submitter. Criteria: Invitae Variant Classification Sherloc (09022015). Collection method: clinical testing. Allele origin: germline.
Comment: This variant is not present in population databases (gnomAD no frequency). For these reasons, this variant has been classified as Pathogenic. This variant disrupts the c.1090+1G nucleotide in the MYBPC3 gene. Other variant(s) that disrupt this nucleotide have been determined to be pathogenic (PMID: 16858239, 22112859, 22989827, 26914223, 27532257). This suggests that this nucleotide is clinically significant, and that variants that disrupt this position are likely to be disease-causing. Algorithms developed to predict the effect of sequence changes on RNA splicing suggest that this variant may disrupt the consensus splice site. Disruption of this splice site has been observed in individual(s) with hypertrophic cardiomyopathy (PMID: 20624503). This sequence change affects a donor splice site in intron 12 of the MYBPC3 gene. It is expected to disrupt RNA splicing. Variants that disrupt the donor or acceptor splice site typically lead to a loss of protein function (PMID: 16199547), and loss-of-function variants in MYBPC3 are known to be pathogenic (PMID: 19574547).

Literature cited by the submitters: PubMed 16858239 (cited by Labcorp Genetics (formerly Invitae), Labcorp); PubMed 22112859 (cited by Labcorp Genetics (formerly Invitae), Labcorp); PubMed 22989827 (cited by Labcorp Genetics (formerly Invitae), Labcorp); PubMed 26914223 (cited by Labcorp Genetics (formerly Invitae), Labcorp); PubMed 27532257 (cited by Labcorp Genetics (formerly Invitae), Labcorp); PubMed 20624503 (cited by Labcorp Genetics (formerly Invitae), Labcorp); PubMed 16199547 (cited by Labcorp Genetics (formerly Invitae), Labcorp); PubMed 19574547 (cited by Labcorp Genetics (formerly Invitae), Labcorp).

NM_000256.3(MYBPC3):c.1090+1G>C

Gene: MYBPC3 (myosin binding protein C3; minus strand). Cytogenetic location: 11p11.2.
Variant type: single nucleotide variant.
Coding change: c.1090+1G>C on transcript NM_000256.3 (MANE Select); the canonical splice donor site of the intron after coding-DNA position 1090, G replaced by C.
Molecular consequence: splice donor variant.
Genome position (GRCh38, 1-based): chr11:47,346,206, C>G on the plus strand (G>C on the coding strand, the complement: MYBPC3 is on the minus strand). VCF-style: chr11-47346206-C-G. GRCh37 (hg19) VCF-style: chr11-47367757-C-G.
Identifiers: ClinVar variation 2735598 (VCV002735598.4), dbSNP rs727504269, ClinGen allele CA380330859.